The following is an entry in ClinVar:

ClinVar aggregate classification (germline): Uncertain significance. Review status: criteria provided, multiple submitters, no conflicts (2 of 4 stars). 3 submissions from 3 submitters: Uncertain significance (3). Last evaluated 2024-12-23.

Conditions:
Fanconi anemia (FA). Also called: Fanconi's anemia. Identifiers: Orphanet 84, MedGen C0015625, MeSH D005199, MONDO:0019391.
Fanconi anemia complementation group L (FANCL). Also called: FANCL-Related Fanconi Anemia. Identifiers: Orphanet 84, MedGen C3469528, MONDO:0013566, OMIM 614083.

gnomAD v4.1: 25 of 1,606,938 alleles (0.0016%); highest among the groups gnomAD compares: East Asian, 0.031%; no homozygotes.

Submissions (3):

Labcorp Genetics (formerly Invitae), Labcorp
Classification: Uncertain significance for Fanconi anemia. Last evaluated: 2024-12-23. Review status: criteria provided, single submitter. Criteria: Invitae Variant Classification Sherloc (09022015). Collection method: clinical testing. Allele origin: germline.
Comment: This sequence change replaces methionine, which is neutral and non-polar, with valine, which is neutral and non-polar, at codon 305 of the FANCL protein (p.Met305Val). This variant is present in population databases (rs553742734, gnomAD 0.07%). This variant has not been reported in the literature in individuals affected with FANCL-related conditions. ClinVar contains an entry for this variant (Variation ID: 958108). Invitae Evidence Modeling of protein sequence and biophysical properties (such as structural, functional, and spatial information, amino acid conservation, physicochemical variation, residue mobility, and thermodynamic stability) indicates that this missense variant is not expected to disrupt FANCL protein function with a negative predictive value of 80%. In summary, the available evidence is currently insufficient to determine the role of this variant in disease. Therefore, it has been classified as a Variant of Uncertain Significance.

Fulgent Genetics
Classification: Uncertain significance for Fanconi anemia complementation group L. Last evaluated: 2024-02-02. Review status: criteria provided, single submitter. Criteria: ACMG Guidelines, 2015. Collection method: clinical testing. Allele origin: germline.

Genetic Services Laboratory, University of Chicago
Classification: Uncertain significance. Last evaluated: 2018-05-17. Review status: criteria provided, single submitter. Criteria: ACMG Guidelines, 2015. Collection method: clinical testing. Allele origin: germline. Affected: no.

NM_018062.4(FANCL):c.913A>G (p.Met305Val)

Gene: FANCL (FA complementation group L; minus strand). Cytogenetic location: 2p16.1.
Variant type: single nucleotide variant.
Coding change: c.913A>G on transcript NM_018062.4 (MANE Select); coding-DNA position 913, A replaced by G.
Protein change: p.Met305Val; replaces methionine 305 with valine.
Molecular consequence: missense variant.
Genome position (GRCh38, 1-based): chr2:58,161,629, T>C on the plus strand (A>G on the coding strand, the complement: FANCL is on the minus strand). VCF-style: chr2-58161629-T-C. GRCh37 (hg19) VCF-style: chr2-58388764-T-C.
Other names: c.928A>G, p.Met310Val (NM_001114636.2); c.958A>G, p.Met320Val (NM_001374615.1); c.973A>G, p.Met325Val (NM_001410792.1); short protein forms M310V, M320V, M305V, M325V.
Identifiers: ClinVar variation 958108 (VCV000958108.10), dbSNP rs553742734, ClinGen allele CA1670378.